The following is an entry in ClinVar:

NM_000069.3(CACNA1S):c.667C>A (p.His223Asn)

Gene: CACNA1S (calcium voltage-gated channel subunit alpha1 S; minus strand). Cytogenetic location: 1q32.1.
Variant type: single nucleotide variant.
Coding change: c.667C>A on transcript NM_000069.3 (MANE Select); coding-DNA position 667, C replaced by A.
Protein change: p.His223Asn; replaces histidine 223 with asparagine.
Molecular consequence: missense variant.
Genome position (GRCh38, 1-based): chr1:201,091,667, G>T on the plus strand (C>A on the coding strand, the complement: CACNA1S is on the minus strand). VCF-style: chr1-201091667-G-T. GRCh37 (hg19) VCF-style: chr1-201060795-G-T.
Other names: short protein forms H223N.
Identifiers: ClinVar variation 3069566 (VCV003069566.1), dbSNP rs777445319, ClinGen allele CA083937.

ClinVar aggregate classification (germline): Uncertain significance (1 of 4 stars; one submission).

Conditions:
Malignant hyperthermia, susceptibility to, 5 (MHS5). Also called: CACNA1S-Related Malignant Hyperthermia Susceptibility. Identifiers: Orphanet 423, MedGen C1866077, MONDO:0011163, OMIM 601887.

Allele frequency attached by ClinVar (database versions not stated): ExAC 0.00001; gnomAD exomes 0.00003.
gnomAD v4.1: 39 of 1,614,232 alleles (0.0024%); highest among the groups gnomAD compares: Non-Finnish European, 0.0032%; no homozygotes.

Submission:

All of Us Research Program, National Institutes of Health
Classification: Uncertain significance for Malignant hyperthermia, susceptibility to, 5. Last evaluated: 2023-02-24. Review status: criteria provided, single submitter. Criteria: ACMG Guidelines, 2015. Collection method: clinical testing. Allele origin: germline. Inheritance: Autosomal dominant inheritance. Observed: 1 variant allele, 1 heterozygote.
Comment: This missense variant replaces histidine with asparagine at codon 223 of the CACNA1S protein. Computational prediction suggests that this variant may have deleterious impact on protein structure and function (internally defined REVEL score threshold >= 0.7, PMID: 27666373). To our knowledge, functional studies have not been reported for this variant. This variant has not been reported in individuals affected with CACNA1S-related disorders in the literature. This variant has been identified in 1/251488 chromosomes in the general population by the Genome Aggregation Database (gnomAD). The available evidence is insufficient to determine the role of this variant in disease conclusively. Therefore, this variant is classified as a Variant of Uncertain Significance.

This study involves interpretation of variants in research participants for the purpose of population health screening. Participant phenotype was not available at the time of variant classification. Additional details can be found in publication PMID: 35346344, PMCID: PMC8962531